The following is an entry in ClinVar:

ClinVar aggregate classification (germline): Conflicting classifications of pathogenicity. Review status: criteria provided, conflicting classifications (1 of 4 stars). 8 submissions from 6 submitters: Uncertain significance (7); Likely benign (1). Last evaluated 2025-10-01.

Conditions:
Inborn genetic diseases. Identifiers: MedGen C0950123, MeSH D030342.
Diabetes mellitus, permanent neonatal 3. Also called: ABCC8-Related Permanent Neonatal Diabetes Mellitus. Identifiers: MedGen C5394303, MONDO:0030088, OMIM 618857.
Leucine-induced hypoglycemia (LIH). Also called: LEUCINE-SENSITIVE HYPOGLYCEMIA OF INFANCY. Identifiers: MedGen C0271714, MONDO:0009415, OMIM 240800.
Diabetes mellitus, transient neonatal, 2 (TNDM2). Identifiers: Orphanet 99886, MedGen C1835887, MONDO:0012480, OMIM 610374. Disease mechanism: loss of function.
Hyperinsulinemic hypoglycemia, familial, 1 (HHF1). Also called: Persistent hyperinsulinemic hypoglycemia of infancy; NESIDIOBLASTOSIS OF PANCREAS; Persistent Hyperinsulinemia Hypoglycemia of Infancy; HYPERINSULINISM, FAMILIAL, WITH PANCREATIC NESIDIOBLASTOSIS; HYPOGLYCEMIA, HYPERINSULINEMIC, OF INFANCY. Identifiers: Orphanet 276575, Orphanet 276598, MedGen C2931832, MONDO:0009734, OMIM 256450.
Type 2 diabetes mellitus. Also called: Type II diabetes mellitus. Identifiers: MedGen C0011860, MeSH D003924, MONDO:0005148, OMIM 125853, HP:0005978.
Permanent neonatal diabetes mellitus (PNDM). Identifiers: Orphanet 99885, MedGen C1833104, MONDO:0100164, MONDO:0011643. Disease mechanism: gain of function.

Allele frequency attached by ClinVar (database versions not stated): gnomAD exomes 0.00006; ExAC 0.00007; TOPMed 0.00008; 1000 Genomes Project 0.00020; 1000 Genomes Project 30x 0.00031.
gnomAD v4.1: 36 of 1,614,120 alleles (0.0022%); highest among the groups gnomAD compares: African/African-American, 0.019%; 1 homozygote.

Submissions (8):

Labcorp Genetics (formerly Invitae), Labcorp
Classification: Likely benign. Last evaluated: 2025-10-01. Review status: criteria provided, single submitter. Criteria: Invitae Variant Classification Sherloc (09022015). Collection method: clinical testing. Allele origin: germline.

Women's Health and Genetics/Laboratory Corporation of America, LabCorp
Classification: Uncertain significance. Last evaluated: 2024-09-13. Review status: criteria provided, single submitter. Criteria: LabCorp Variant Classification Summary - May 2015. Collection method: clinical testing. Allele origin: germline.
Comment: Variant summary: ABCC8 c.2635G>A (p.Asp879Asn) results in a conservative amino acid change located in the ABC transporter-like, ATP-binding domain (IPR003439) of the encoded protein sequence. Four of five in-silico tools predict a benign effect of the variant on protein function. The variant allele was found at a frequency of 6.4e-05 in 251482 control chromosomes, predominantly at a frequency of 0.00037 within the African or African-American subpopulation in the gnomAD database. The available data on variant occurrences in the general population are insufficient to allow any conclusion about variant significance. c.2635G>A has been reported in the literature in one individual affected with permanenent neonatal diabetes mellitus, co-occurring with a de novo pathogenic variant in ABCC8 (L225P) (Masia_2007). These report(s) do not provide unequivocal conclusions about association of the variant with Familial Hyperinsulinism. To our knowledge, no experimental evidence demonstrating an impact on protein function has been reported. The following publication has been ascertained in the context of this evaluation (PMID: 17317760). ClinVar contains an entry for this variant (Variation ID: 303771). Based on the evidence outlined above, the variant was classified as uncertain significance.

Fulgent Genetics
Classification: Uncertain significance for Type 2 diabetes mellitus; Leucine-induced hypoglycemia; Hyperinsulinemic hypoglycemia, familial, 1; Diabetes mellitus, transient neonatal, 2; Diabetes mellitus, permanent neonatal 3. Last evaluated: 2024-04-22. Review status: criteria provided, single submitter. Criteria: ACMG Guidelines, 2015. Collection method: clinical testing. Allele origin: germline.

Ambry Genetics
Classification: Uncertain significance for Inborn genetic diseases. Last evaluated: 2022-07-30. Review status: criteria provided, single submitter. Criteria: Ambry Variant Classification Scheme 2023. Collection method: clinical testing. Allele origin: germline.

Genetic Services Laboratory, University of Chicago
Classification: Uncertain significance. Last evaluated: 2021-07-23. Review status: criteria provided, single submitter. Criteria: ACMG Guidelines, 2015. Collection method: clinical testing. Allele origin: germline. Affected: no.
Comment: DNA sequence analysis of the ABCC8 gene demonstrated a sequence change, c.2635G>A, in exon 22 that results in an amino acid change, p.Asp879Asn. This sequence change has been described in the gnomAD database with a frequency of 0.037% in the African/African-American subpopulation (dbSNP rs531684936). The p.Asp879Asn change affects a moderately conserved amino acid residue located in a domain of the ABCC8 protein that is known to be functional. In-silico pathogenicity prediction tools (SIFT, PolyPhen2, Align GVGD, REVEL) provide contradictory results for the p.Asp879Asn substitution. This sequence change does not appear to have been previously described in individuals with ABCC8-related disorders. Due to insufficient evidences and the lack of functional studies, the clinical significance of the p.Asp879Asn change remains unknown at this time.

Illumina Laboratory Services, Illumina
Classification: Uncertain significance for Diabetes mellitus, transient neonatal, 2. Last evaluated: 2018-01-13. Review status: criteria provided, single submitter. Criteria: ICSL Variant Classification Criteria 13 December 2019. Collection method: clinical testing. Allele origin: germline.

Illumina Laboratory Services, Illumina
Classification: Uncertain significance for Permanent neonatal diabetes mellitus 1. Last evaluated: 2018-01-13. Review status: criteria provided, single submitter. Criteria: ICSL Variant Classification Criteria 13 December 2019. Collection method: clinical testing. Allele origin: germline.

Illumina Laboratory Services, Illumina
Classification: Uncertain significance for Hyperinsulinemic hypoglycemia, familial, 1. Last evaluated: 2018-01-13. Review status: criteria provided, single submitter. Criteria: ICSL Variant Classification Criteria 13 December 2019. Collection method: clinical testing. Allele origin: germline.

Literature cited by the submitters: PubMed 17317760 (cited by Women's Health and Genetics/Laboratory Corporation of America, LabCorp).

NM_000352.6(ABCC8):c.2635G>A (p.Asp879Asn)

Gene: ABCC8 (ATP binding cassette subfamily C member 8; minus strand). Cytogenetic location: 11p15.1.
Variant type: single nucleotide variant.
Coding change: c.2635G>A on transcript NM_000352.6 (MANE Select); coding-DNA position 2635, G replaced by A.
Protein change: p.Asp879Asn; replaces aspartic acid 879 with asparagine.
Molecular consequence: missense variant. On other transcripts: non-coding transcript variant (1).
Genome position (GRCh38, 1-based): chr11:17,410,575, C>T on the plus strand (G>A on the coding strand, the complement: ABCC8 is on the minus strand). VCF-style: chr11-17410575-C-T. GRCh37 (hg19) VCF-style: chr11-17432122-C-T.
Other names: c.2638G>A, p.Asp880Asn (NM_001287174.3); c.2701G>A, p.Asp901Asn (NM_001351295.2); c.2635G>A, p.Asp879Asn (NM_001351296.2); c.2632G>A, p.Asp878Asn (NM_001351297.2); short protein forms D880N, D879N, D878N, D901N.
Identifiers: ClinVar variation 303771 (VCV000303771.17), dbSNP rs531684936, ClinGen allele CA5903065.